The following is an entry in ClinVar:

NM_001367624.2(ZNF469):c.11644C>G (p.Pro3882Ala)

Gene: ZNF469 (zinc finger protein 469; plus strand). Cytogenetic location: 16q24.2.
Variant type: single nucleotide variant.
Coding change: c.11644C>G on transcript NM_001367624.2 (MANE Select); coding-DNA position 11644, C replaced by G.
Protein change: p.Pro3882Ala; replaces proline 3882 with alanine.
Molecular consequence: missense variant.
Genome position (GRCh38, 1-based): chr16:88,439,114, C>G. VCF-style: chr16-88439114-C-G. GRCh37 (hg19) VCF-style: chr16-88505522-C-G.
Other names: NM_001127464.1:c.11560C>G; short protein forms P3882A.
Identifiers: ClinVar variation 1735327 (VCV001735327.2), dbSNP rs1467737458, ClinGen allele CA397130810.

ClinVar aggregate classification (germline): Uncertain significance (1 of 4 stars; one submission).

Conditions:
Cardiovascular phenotype. Identifiers: MedGen CN230736.

Allele frequency attached by ClinVar (database versions not stated): gnomAD 0.00001; TOPMed 0.00001.
gnomAD v4.1: 7 of 1,550,846 alleles (0.00045%); highest among the groups gnomAD compares: East Asian, 0.0024%; no homozygotes.

Submission:

Ambry Genetics
Classification: Uncertain significance for Cardiovascular phenotype. Last evaluated: 2021-10-07. Review status: criteria provided, single submitter. Criteria: Ambry Variant Classification Scheme 2023. Collection method: clinical testing. Allele origin: germline.
Comment: The p.P3854A variant (also known as c.11560C>G), located in coding exon 2 of the ZNF469 gene, results from a C to G substitution at nucleotide position 11560. The proline at codon 3854 is replaced by alanine, an amino acid with highly similar properties. This amino acid position is conserved. In addition, this alteration is predicted to be tolerated by in silico analysis. Since supporting evidence is limited at this time, the clinical significance of this alteration remains unclear.